The following is an entry in ClinVar:

NM_001195248.2(APTX):c.841del (p.Ser281fs)

Gene: APTX (aprataxin; minus strand). Cytogenetic location: 9p21.1.
Variant type: Deletion.
Coding change: c.841del on transcript NM_001195248.2 (MANE Select); coding-DNA position 841, one base deleted (T; older notation c.841delT).
Protein change: p.Ser281fs; shifts the reading frame from serine 281.
Molecular consequence: frameshift variant. On other transcripts: non-coding transcript variant (13).
Genome position (GRCh38, 1-based): chr9:32,974,491, A deleted on the plus strand (T on the coding strand, the reverse complement: APTX is on the minus strand); the first of 2 consecutive A bases (chr9:32,974,491-32,974,492); deleting either gives the same sequence. VCF-style (leftmost placement, unchanged base first): chr9-32974490-GA-G. GRCh37 (hg19) VCF-style: chr9-32974488-GA-G.
Other names: c.841del, p.Ser281fs (NM_001195249.2, NM_001195251.2, NM_001368995.1 and 6 more transcripts); c.679del, p.Ser227fs (NM_001195250.2, NM_001195254.2, NM_001369000.1 and 1 more transcripts); c.625del, p.Ser209fs (NM_001195252.2); c.577del, p.Ser193fs (NM_001370669.1, NM_001370670.1, NM_001370673.1 and 5 more transcripts); c.841del (NM_175073.2); c.840del (NM_175073.2); short protein forms S209fs, S193fs, S281fs, S227fs.
Identifiers: ClinVar variation 4427 (VCV000004427.2), dbSNP rs587776594, ClinGen allele CA253145.
Genomic context (GRCh38, chr9:32,974,490, plus strand): 5'-AATGTGAAAACCAAGGAACACTGTTTACCTTGTGATTCTAGGAAGTATTCTGTATTGAAA[GA>G]ATTCCAATGTTTTTTGTTTTTAAGGCAAGGAGAATCAAAATCCTGGCTGATCACATGAAG-3'

ClinVar aggregate classification (germline): Pathogenic. Review status: criteria provided, single submitter (1 of 4 stars). 2 submissions from 2 submitters: Pathogenic (1). 1 of the submissions does not count toward it. Last evaluated 2025-10-16.

Conditions:
Ataxia, early-onset, with oculomotor apraxia and hypoalbuminemia (EAOH). Also called: Ataxia-oculomotor apraxia type 1; ATAXIA-OCULOMOTOR APRAXIA SYNDROME; ATAXIA-TELANGIECTASIA-LIKE SYNDROME. Identifiers: Orphanet 1168, MedGen C1859598, MONDO:0008842, OMIM 208920.

Submissions (2):

Athena Diagnostics
Classification: Pathogenic. Last evaluated: 2025-10-16. Review status: criteria provided, single submitter. Criteria: Athena Diagnostics Criteria. Collection method: clinical testing. Allele origin: unknown.
Comment: This variant has not been reported in large, multi-ethnic general populations. This variant is not expected to cause loss of protein expression through nonsense-mediated decay. However, it disrupts a substantial portion of the protein, and therefore, is expected to disrupt its function. This variant has been identified in at least one individual with clinical features associated with this gene. In some published literature, this variant is referred to as c.840delT. Assessment of experimental evidence suggests this variant results in abnormal protein function. (PMID: 15790557)

OMIM
Classification: Pathogenic for ATAXIA, EARLY-ONSET, WITH OCULOMOTOR APRAXIA AND HYPOALBUMINEMIA. Last evaluated: 2001-10-01. Review status: no assertion criteria provided. Collection method: literature only. Allele origin: germline. Not counted in ClinVar's aggregate classification.

Literature cited by the submitters: PubMed 21486904 (cited by Athena Diagnostics); PubMed 15790557 (cited by Athena Diagnostics); PubMed 11586299 (cited by Athena Diagnostics and OMIM); PubMed 15044383 (cited by Athena Diagnostics).